The following is an entry in ClinVar:

NM_001145860.2(POP1):c.2469T>A (p.Ser823=)

Gene: POP1 (POP1 ribonuclease P/MRP subunit; plus strand). Cytogenetic location: 8q22.2.
Variant type: single nucleotide variant.
Coding change: c.2469T>A on transcript NM_001145860.2 (MANE Select); coding-DNA position 2469, T replaced by A.
Protein change: p.Ser823=; no amino-acid change (serine 823 retained).
Molecular consequence: synonymous variant.
Genome position (GRCh38, 1-based): chr8:98,157,665, T>A. VCF-style: chr8-98157665-T-A. GRCh37 (hg19) VCF-style: chr8-99169893-T-A.
Other names: c.2469T>A, p.Ser823= (NM_001145861.2, NM_015029.3).
Identifiers: ClinVar variation 1621212 (VCV001621212.12), dbSNP rs770831980, ClinGen allele CA4820851.
Genomic context (GRCh38, chr8:98,157,665, plus strand): 5'-AACTTCATGTAGGAGTAGAAAATTACTGAAGCAACTGTCAGCCTGGTGTGGGCCCAGTTC[T>A]GAGGATAGTCGGGGAGGCCGGCGAGCTCCCGGCAGAGGCCAGCAAGGATTGACCAGAGAG-3'
Protein context (NP_001139332.1, residues 813-833): KQLSAWCGPS[Ser823=]EDSRGGRRAP

ClinVar aggregate classification (germline): Benign/Likely benign. Review status: criteria provided, multiple submitters, no conflicts (2 of 4 stars). 2 submissions from 2 submitters: Benign (1); Likely benign (1). Last evaluated 2026-09-01.

Allele frequency attached by ClinVar (database versions not stated): gnomAD 0.00004 and 0.00005; gnomAD exomes 0.00009 and 0.00018; ExAC 0.00010; TOPMed 0.00015.
gnomAD v4.1: 63 of 1,614,202 alleles (0.0039%); highest among the groups gnomAD compares: Admixed American, 0.1%; 1 homozygote.

Submissions (2):

CeGaT Center for Human Genetics Tuebingen
Classification: Likely benign. Last evaluated: 2026-09-01. Review status: criteria provided, single submitter. Criteria: CeGaT Center For Human Genetics Tuebingen Variant Classification Criteria Version 2. Collection method: clinical testing. Allele origin: germline. Affected: yes. Observed: 2 variant alleles.
Comment: POP1: BP4, BP7

Labcorp Genetics (formerly Invitae), Labcorp
Classification: Benign. Last evaluated: 2025-10-23. Review status: criteria provided, single submitter. Criteria: Invitae Variant Classification Sherloc (09022015). Collection method: clinical testing. Allele origin: germline.